The following is an entry in ClinVar:

NM_005445.4(SMC3):c.1278T>G (p.Asn426Lys)

Gene: SMC3 (structural maintenance of chromosomes 3; plus strand). Cytogenetic location: 10q25.2.
Variant type: single nucleotide variant.
Coding change: c.1278T>G on transcript NM_005445.4 (MANE Select); coding-DNA position 1278, T replaced by G.
Protein change: p.Asn426Lys; replaces asparagine 426 with lysine.
Molecular consequence: missense variant.
Genome position (GRCh38, 1-based): chr10:110,584,369, T>G. VCF-style: chr10-110584369-T-G. GRCh37 (hg19) VCF-style: chr10-112344127-T-G.
Other names: short protein forms N426K.
Identifiers: ClinVar variation 2572681 (VCV002572681.1), dbSNP rs2493117841, ClinGen allele CA378384655.

ClinVar aggregate classification (germline): Uncertain significance (1 of 4 stars; one submission).

Submission:

GeneDx
Classification: Uncertain significance. Last evaluated: 2023-01-17. Review status: criteria provided, single submitter. Criteria: GeneDx Variant Classification Process June 2021. Collection method: clinical testing. Allele origin: germline. Affected: yes.
Comment: Not observed at significant frequency in large population cohorts (gnomAD); In silico analysis supports that this missense variant does not alter protein structure/function; Has not been previously published as pathogenic or benign to our knowledge